The following is an entry in ClinVar:

ClinVar aggregate classification (germline): Benign/Likely benign. Review status: criteria provided, multiple submitters, no conflicts (2 of 4 stars). 3 submissions from 3 submitters: Benign (1); Likely benign (2). Last evaluated 2026-08-01.

Conditions:
FG syndrome (FGS). Identifiers: MedGen C0220769, MONDO:0002010.
Familial thoracic aortic aneurysm and aortic dissection (TAAD). Also called: Thoracic aortic aneurysms and dissections. Identifiers: Orphanet 91387, MedGen C4707243, MONDO:0019625.

Allele frequency attached by ClinVar (database versions not stated): TOPMed 0.00001; gnomAD exomes 0.00002 and 0.00001; gnomAD 0.00005.

Submissions (3):

CeGaT Center for Human Genetics Tuebingen
Classification: Likely benign. Last evaluated: 2026-08-01. Review status: criteria provided, single submitter. Criteria: CeGaT Center For Human Genetics Tuebingen Variant Classification Criteria Version 2. Collection method: clinical testing. Allele origin: germline. Affected: yes. Observed: 1 variant allele.
Comment: MED12: BP4, BS2

Labcorp Genetics (formerly Invitae), Labcorp
Classification: Benign for FG syndrome. Last evaluated: 2025-07-14. Review status: criteria provided, single submitter. Criteria: Invitae Variant Classification Sherloc (09022015). Collection method: clinical testing. Allele origin: germline.

Ambry Genetics
Classification: Likely benign for Familial thoracic aortic aneurysm and aortic dissection. Last evaluated: 2022-05-14. Review status: criteria provided, single submitter. Criteria: Ambry Variant Classification Scheme 2023. Collection method: clinical testing. Allele origin: germline.

NM_005120.3(MED12):c.6003G>A (p.Gln2001=)

Gene: MED12 (mediator complex subunit 12; plus strand). Cytogenetic location: Xq13.1.
Variant type: single nucleotide variant.
Coding change: c.6003G>A on transcript NM_005120.3 (MANE Select); coding-DNA position 6003, G replaced by A.
Protein change: p.Gln2001=; no amino-acid change (glutamine 2001 retained).
Molecular consequence: synonymous variant.
Genome position (GRCh38, 1-based): chrX:71,137,902, G>A. VCF-style: chrX-71137902-G-A. GRCh37 (hg19) VCF-style: chrX-70357752-G-A.
Identifiers: ClinVar variation 1610609 (VCV001610609.14), dbSNP rs1226474526, ClinGen allele CA516727732.
Genomic context (GRCh38, chrX:71,137,902, plus strand): 5'-TCCTACTCTTGTAGATCCTACCCGCCACCTGCAACAGCGGCCCAGTGGCTATGTGCACCA[G>A]CAGGCCCCCACCTATGGACATGGACTGACCTCCACTCAAAGGTACCCAAAGTAGTGGTGA-3'
Protein context (NP_005111.2, residues 1991-2011): LQQRPSGYVH[Gln2001=]QAPTYGHGLT